The following is an entry in ClinVar:

NM_012062.5(DNM1L):c.1826C>T (p.Pro609Leu)

Gene: DNM1L (dynamin 1 like; plus strand). Cytogenetic location: 12p11.21.
Variant type: single nucleotide variant.
Coding change: c.1826C>T on transcript NM_012062.5 (MANE Select); coding-DNA position 1826, C replaced by T.
Protein change: p.Pro609Leu; replaces proline 609 with leucine.
Molecular consequence: missense variant.
Genome position (GRCh38, 1-based): chr12:32,740,182, C>T. VCF-style: chr12-32740182-C-T. GRCh37 (hg19) VCF-style: chr12-32893116-C-T.
Other names: c.1793C>T, p.Pro598Leu (NM_001278463.2); c.1865C>T, p.Pro622Leu (NM_001278464.2); c.1832C>T, p.Pro611Leu (NM_001278465.2); c.1217C>T, p.Pro406Leu (NM_001278466.2); c.1754C>T, p.Pro585Leu (NM_001330380.2); c.1715C>T, p.Pro572Leu (NM_005690.5); c.1748C>T, p.Pro583Leu (NM_012063.4); short protein forms P406L, P583L, P585L, P598L, P609L, P611L, P572L, P622L.
Identifiers: ClinVar variation 1419419 (VCV001419419.6), dbSNP rs1955188051, ClinGen allele CA384362975.
Genomic context (GRCh38, chr12:32,740,182, plus strand): 5'-GGAGAGGAATGCTGAAAACTTCAAAAGCTGAAGAGTTATTAGCAGAAGAAAAATCAAAAC[C>T]CATTCCAATTATGCCAGCCAGTCCACAAAAAGGTCATGCCGTGAACCTGCTAGATGTGGT-3'
Protein context (NP_036192.2, residues 599-619): EELLAEEKSK[Pro609Leu]IPIMPASPQK

ClinVar aggregate classification (germline): Uncertain significance (1 of 4 stars; one submission).

Allele frequency attached by ClinVar (database versions not stated): TOPMed below 0.00001.

Submission:

Labcorp Genetics (formerly Invitae), Labcorp
Classification: Uncertain significance. Last evaluated: 2025-09-24. Review status: criteria provided, single submitter. Criteria: Invitae Variant Classification Sherloc (09022015). Collection method: clinical testing. Allele origin: germline.
Comment: This sequence change replaces proline, which is neutral and non-polar, with leucine, which is neutral and non-polar, at codon 609 of the DNM1L protein (p.Pro609Leu). This variant is not present in population databases (gnomAD no frequency). This variant has not been reported in the literature in individuals affected with DNM1L-related conditions. ClinVar contains an entry for this variant (Variation ID: 1419419). An algorithm developed to predict the effect of missense changes on protein structure and function (PolyPhen-2) suggests that this variant is likely to be tolerated. In summary, the available evidence is currently insufficient to determine the role of this variant in disease. Therefore, it has been classified as a Variant of Uncertain Significance.